The following is an entry in ClinVar:

ClinVar aggregate classification (germline): Benign/Likely benign. Review status: criteria provided, multiple submitters, no conflicts (2 of 4 stars). 9 submissions from 9 submitters: Benign (5); Likely benign (4). Last evaluated 2026-01-28.

Conditions:
Hepatic adenomas, familial. Also called: HEPATIC ADENOMA, SOMATIC; LIVER CELL ADENOMAS, FAMILIAL. Identifiers: MedGen C1840646, MONDO:0007718, OMIM 142330.
Type 1 diabetes mellitus 20 (T1D20). Also called: Diabetes mellitus, insulin-dependent, 20. Identifiers: MedGen C2675866, MONDO:0012919, OMIM 612520.
Maturity-onset diabetes of the young type 3. Also called: MODY type 3; MODY, type III. Identifiers: Orphanet 552, MedGen C1838100, MeSH C563933, MONDO:0010894, OMIM 600496. Disease mechanism: loss of function.
Nonpapillary renal cell carcinoma. Identifiers: Orphanet 422526, MedGen CN074294, MONDO:0007763, OMIM 144700.
Type 2 diabetes mellitus. Also called: Type II diabetes mellitus. Identifiers: MedGen C0011860, MeSH D003924, MONDO:0005148, OMIM 125853, HP:0005978.
Diabetes mellitus type 1 (T1D). Also called: Diabetes Mellitus, Juvenile-Onset; Type I diabetes mellitus. Identifiers: MedGen C0011854, MONDO:0005147, OMIM 222100, HP:0100651.
Maturity-onset diabetes of the young (MODY). Also called: Maturity onset diabetes mellitus in young. Identifiers: Orphanet 552, MedGen C0342276, MONDO:0018911, HP:0004904.

Allele frequency attached by ClinVar (database versions not stated): gnomAD exomes 0.00017; ExAC 0.00019; TOPMed 0.00070; gnomAD 0.00074 and 0.00081; ESP Exome Variant Server 0.00092.
gnomAD v4.1: 224 of 1,608,598 alleles (0.014%); highest among the groups gnomAD compares: African/African-American, 0.21%; no homozygotes.

Submissions (9):

Labcorp Genetics (formerly Invitae), Labcorp
Classification: Benign. Last evaluated: 2026-01-28. Review status: criteria provided, single submitter. Criteria: Invitae Variant Classification Sherloc (09022015). Collection method: clinical testing. Allele origin: germline.

Women's Health and Genetics/Laboratory Corporation of America, LabCorp
Classification: Benign. Last evaluated: 2024-12-06. Review status: criteria provided, single submitter. Criteria: LabCorp Variant Classification Summary - May 2015. Collection method: clinical testing. Allele origin: germline.

Blueprint Genetics
Classification: Likely benign. Last evaluated: 2024-10-18. Review status: criteria provided, single submitter. Criteria: ACMG Guidelines, 2015. Collection method: clinical testing. Allele origin: germline.

Ambry Genetics
Classification: Benign for Maturity-onset diabetes of the young. Last evaluated: 2022-08-02. Review status: criteria provided, single submitter. Criteria: Ambry Variant Classification Scheme 2023. Collection method: clinical testing. Allele origin: germline.

Fulgent Genetics
Classification: Likely benign for Type 2 diabetes mellitus; Hepatic adenomas, familial; Nonpapillary renal cell carcinoma; Diabetes mellitus type 1; Maturity-onset diabetes of the young type 3; Type 1 diabetes mellitus 20. Last evaluated: 2022-04-11. Review status: criteria provided, single submitter. Criteria: ACMG Guidelines, 2015. Collection method: clinical testing. Allele origin: unknown.

GeneDx
Classification: Likely benign. Last evaluated: 2019-02-19. Review status: criteria provided, single submitter. Criteria: GeneDx Variant Classification Process June 2021. Collection method: clinical testing. Allele origin: germline. Affected: yes.
Comment: This variant is associated with the following publications: (PMID: 23348805)

Athena Diagnostics
Classification: Benign. Last evaluated: 2018-11-21. Review status: criteria provided, single submitter. Criteria: Athena Diagnostics Criteria. Collection method: clinical testing. Allele origin: germline.

Genetic Services Laboratory, University of Chicago
Classification: Likely benign. Last evaluated: 2017-07-05. Review status: criteria provided, single submitter. Criteria: ACMG Guidelines, 2015. Collection method: clinical testing. Allele origin: germline. Affected: no.

Clinical Genomics, Uppaluri K&H Personalized Medicine Clinic
Classification: Benign for Maturity-onset diabetes of the young. Review status: criteria provided, single submitter. Criteria: K & H Uppaluri Personalized Medicine Clinic Variant Classification & Assertion Criteria_Updated V.1. Collection method: research. Allele origin: unknown. Inheritance: Autosomal dominant inheritance.
Comment: Mutations in HNF1A gene can predispose to MODY3. It is associated with both micro and macrovascular complications of diabetes, especially cardiovascular complications. Associated with glucosuria. May respond well to sulfonylureas. However, more evidence is required to confer the association of this particular variant rs138996307 with MODY3.

Literature cited by the submitters: PubMed 31517624 (cited by Clinical Genomics, Uppaluri K&H Personalized Medicine Clinic); PubMed 32395877 (cited by Clinical Genomics, Uppaluri K&H Personalized Medicine Clinic); PubMed 35328643 (cited by Clinical Genomics, Uppaluri K&H Personalized Medicine Clinic).

NM_000545.8(HNF1A):c.1323G>A (p.Thr441=)

Gene: HNF1A (HNF1 homeobox A; plus strand). Cytogenetic location: 12q24.31.
Variant type: single nucleotide variant.
Coding change: c.1323G>A on transcript NM_000545.8 (MANE Select); coding-DNA position 1323, G replaced by A.
Protein change: p.Thr441=; no amino-acid change (threonine 441 retained).
Molecular consequence: synonymous variant.
Genome position (GRCh38, 1-based): chr12:120,997,487, G>A. VCF-style: chr12-120997487-G-A. GRCh37 (hg19) VCF-style: chr12-121435290-G-A.
Other names: c.1323G>A, p.Thr441= (NM_001306179.2).
Identifiers: ClinVar variation 36800 (VCV000036800.24), dbSNP rs138996307, ClinGen allele CA214263.